The following is an entry in ClinVar:

ClinVar aggregate classification (germline): Uncertain significance (1 of 4 stars; one submission).

Conditions:
Spinocerebellar ataxia type 19/22 (SCA19). Also called: SPINOCEREBELLAR ATAXIA 22; SPINOCEREBELLAR ATAXIA 19. Identifiers: Orphanet 98772, MedGen C1846367, MONDO:0011819, OMIM 607346.

Submission:

Labcorp Genetics (formerly Invitae), Labcorp
Classification: Uncertain significance for Spinocerebellar ataxia type 19/22. Last evaluated: 2022-04-08. Review status: criteria provided, single submitter. Criteria: Invitae Variant Classification Sherloc (09022015). Collection method: clinical testing. Allele origin: germline.
Comment: Algorithms developed to predict the effect of missense changes on protein structure and function (SIFT, PolyPhen-2, Align-GVGD) all suggest that this variant is likely to be tolerated. In summary, the available evidence is currently insufficient to determine the role of this variant in disease. Therefore, it has been classified as a Variant of Uncertain Significance. This variant has not been reported in the literature in individuals affected with KCND3-related conditions. This variant is not present in population databases (gnomAD no frequency). This sequence change replaces asparagine, which is neutral and polar, with serine, which is neutral and polar, at codon 451 of the KCND3 protein (p.Asn451Ser).

NM_001378969.1(KCND3):c.1352A>G (p.Asn451Ser)

Gene: KCND3 (potassium voltage-gated channel subfamily D member 3; minus strand). Cytogenetic location: 1p13.2.
Variant type: single nucleotide variant.
Coding change: c.1352A>G on transcript NM_001378969.1 (MANE Select); coding-DNA position 1352, A replaced by G.
Protein change: p.Asn451Ser; replaces asparagine 451 with serine.
Molecular consequence: missense variant.
Genome position (GRCh38, 1-based): chr1:111,780,709, T>C on the plus strand (A>G on the coding strand, the complement: KCND3 is on the minus strand). VCF-style: chr1-111780709-T-C. GRCh37 (hg19) VCF-style: chr1-112323331-T-C.
Other names: c.1352A>G, p.Asn451Ser (NM_001378970.1, NM_004980.5, NM_172198.3); short protein forms N451S.
Identifiers: ClinVar variation 2107188 (VCV002107188.4), dbSNP rs2525016341, ClinGen allele CA341659015.
Genomic context (GRCh38, chr1:111,780,709, plus strand): 5'-ACCCCTTTATGTTCCCTAGCCCAGGTCCTCTAGGCACCTACCGTCAGCTCCAGCGCCTCG[T>C]TGAGGAGCCCGTTGCGCTTGCTGTGCAGGTATGCATTCGAACTGCCTGTTTTGGCCACAC-3'
Protein context (NP_001365898.1, residues 441-461): YLHSKRNGLL[Asn451Ser]EALELTGTPE